The following is an entry in ClinVar:

NM_001378120.1(MBD5):c.180C>A (p.Cys60Ter)

Gene: MBD5 (methyl-CpG binding domain protein 5; plus strand). Cytogenetic location: 2q23.1.
Variant type: single nucleotide variant.
Coding change: c.180C>A on transcript NM_001378120.1 (MANE Select); coding-DNA position 180, C replaced by A.
Protein change: p.Cys60Ter; replaces cysteine 60 with a stop codon.
Molecular consequence: nonsense.
Genome position (GRCh38, 1-based): chr2:148,462,648, C>A. VCF-style: chr2-148462648-C-A. GRCh37 (hg19) VCF-style: chr2-149220217-C-A.
Other names: c.180C>A (NM_018328.4); c.180C>A, p.Cys60Ter (NM_018328.5); short protein forms C60*.
Identifiers: ClinVar variation 1075127 (VCV001075127.12), dbSNP rs2105571544, ClinGen allele CA348716213.
Genomic context (GRCh38, chr2:148,462,648, plus strand): 5'-TGGGTCTTTGTTATCTTGCTTGGAGCAGGTTAAAACATACCTGCTTACTGATGGAACATG[C>A]AAGTGTGGCTTGGAATGTCCTCTTATTCTTCCCAAGGTAACCATTTCACAATAGATCTAC-3'

ClinVar aggregate classification (germline): Pathogenic. Review status: criteria provided, multiple submitters, no conflicts (2 of 4 stars). 2 submissions from 2 submitters: Pathogenic (2). Last evaluated 2020-01-13.

Conditions:
Intellectual developmental disorder, autosomal dominant 1. Also called: Intellectual disability, autosomal dominant 1; MBD5 Haploinsufficiency. Identifiers: Orphanet 228402, MedGen C1969562, MONDO:0007974, OMIM 156200.
Autism spectrum disorder. Also called: Autism spectrum disorders. Identifiers: MedGen C1510586, MeSH D000067877, MONDO:0005258.

Submissions (2):

Labcorp Genetics (formerly Invitae), Labcorp
Classification: Pathogenic for Intellectual developmental disorder, autosomal dominant 1. Last evaluated: 2020-01-13. Review status: criteria provided, single submitter. Criteria: Invitae Variant Classification Sherloc (09022015). Collection method: clinical testing. Allele origin: germline.
Comment: This sequence change creates a premature translational stop signal (p.Cys60*) in the MBD5 gene. It is expected to result in an absent or disrupted protein product. This variant is not present in population databases (ExAC no frequency). This variant has not been reported in the literature in individuals with MBD5-related conditions. Loss-of-function variants in MBD5 are known to be pathogenic (PMID: 23422940, 23587880). For these reasons, this variant has been classified as Pathogenic.

Department of Genetics, Rouen University Hospital, Normandy Center for Genomic and Personalized Medicine
Classification: Pathogenic for Autism spectrum disorder. Review status: criteria provided, single submitter. Criteria: ACMG Guidelines, 2015. Collection method: clinical testing. Allele origin: de novo. Affected: yes.

Literature cited by the submitters: PubMed 23422940 (cited by Labcorp Genetics (formerly Invitae), Labcorp); PubMed 23587880 (cited by Labcorp Genetics (formerly Invitae), Labcorp).